The following is an entry in ClinVar:

NM_006514.4(SCN10A):c.4956G>A (p.Leu1652=)

Gene: SCN10A (sodium voltage-gated channel alpha subunit 10; minus strand). Cytogenetic location: 3p22.2.
Variant type: single nucleotide variant.
Coding change: c.4956G>A on transcript NM_006514.4 (MANE Select); coding-DNA position 4956, G replaced by A.
Protein change: p.Leu1652=; no amino-acid change (leucine 1652 retained).
Molecular consequence: synonymous variant.
Genome position (GRCh38, 1-based): chr3:38,698,264, C>T on the plus strand (G>A on the coding strand, the complement: SCN10A is on the minus strand). VCF-style: chr3-38698264-C-T. GRCh37 (hg19) VCF-style: chr3-38739755-C-T.
Other names: c.4953G>A, p.Leu1651= (NM_001293306.2); c.4662G>A, p.Leu1554= (NM_001293307.2).
Identifiers: ClinVar variation 1097944 (VCV001097944.30), dbSNP rs148256707, ClinGen allele CA2319773.

ClinVar aggregate classification (germline): Likely benign. Review status: criteria provided, multiple submitters, no conflicts (2 of 4 stars). 6 submissions from 6 submitters: Likely benign (4). 2 of the submissions do not count toward it. Last evaluated 2026-01-14.

Conditions:
Brugada syndrome. Also called: Sudden Unexplained Death Syndrome; Sudden Unexplained Nocturnal Death Syndrome (SUNDS); Sudden unexpected nocturnal death syndrome; Sudden unexplained nocturnal death syndrome. Identifiers: Orphanet 130, MedGen C1142166, MONDO:0015263.
Cardiovascular phenotype. Identifiers: MedGen CN230736.

Allele frequency attached by ClinVar (database versions not stated): ExAC 0.00002; gnomAD exomes 0.00006; TOPMed 0.00006; gnomAD 0.00007; ESP Exome Variant Server 0.00008.
gnomAD v4.1: 131 of 1,614,012 alleles (0.0081%); highest among the groups gnomAD compares: Non-Finnish European, 0.011%; no homozygotes.

Submissions (6):

Labcorp Genetics (formerly Invitae), Labcorp
Classification: Likely benign for Brugada syndrome. Last evaluated: 2026-01-14. Review status: criteria provided, single submitter. Criteria: Invitae Variant Classification Sherloc (09022015). Collection method: clinical testing. Allele origin: germline.

CeGaT Center for Human Genetics Tuebingen
Classification: Likely benign. Last evaluated: 2025-02-01. Review status: criteria provided, single submitter. Criteria: CeGaT Center For Human Genetics Tuebingen Variant Classification Criteria Version 2. Collection method: clinical testing. Allele origin: germline. Affected: yes. Observed: 2 variant alleles.
Comment: SCN10A: BP4, BP7

Blueprint Genetics
Classification: Likely benign. Last evaluated: 2024-07-15. Review status: criteria provided, single submitter. Criteria: ACMG Guidelines, 2015. Collection method: clinical testing. Allele origin: germline.

Ambry Genetics
Classification: Likely benign for Cardiovascular phenotype. Last evaluated: 2020-07-28. Review status: criteria provided, single submitter. Criteria: Ambry Variant Classification Scheme 2023. Collection method: clinical testing. Allele origin: germline.

Clinical Genetics, Academic Medical Center
Classification: Benign. Review status: no assertion criteria provided. Collection method: clinical testing. Allele origin: germline. Affected: yes. Study: VKGL Data-share Consensus. Not counted in ClinVar's aggregate classification.

Joint Genome Diagnostic Labs from Nijmegen and Maastricht, Radboudumc and MUMC+
Classification: Likely benign. Review status: no assertion criteria provided. Collection method: clinical testing. Allele origin: germline. Affected: yes. Study: VKGL Data-share Consensus. Not counted in ClinVar's aggregate classification.